The following is an entry in ClinVar:

ClinVar aggregate classification (germline): Uncertain significance. Review status: criteria provided, multiple submitters, no conflicts (2 of 4 stars). 2 submissions from 2 submitters: Uncertain significance (2). Last evaluated 2024-11-08.

Conditions:
Inborn genetic diseases. Identifiers: MedGen C0950123, MeSH D030342.
Curry-Hall syndrome (WAD). Also called: WEYERS ACRODENTAL DYSOSTOSIS. Identifiers: Orphanet 952, MedGen C0457013, MONDO:0008673, OMIM 193530.
Ellis-van Creveld syndrome (EVC). Also called: MESOECTODERMAL DYSPLASIA; EVC-Related Ellis-van Creveld Syndrome; EVC2-Related Ellis-van Creveld Syndrome; Chondroectodermal dysplasia. Identifiers: Orphanet 289, MedGen C0013903, MONDO:0009162, OMIM 225500.

Allele frequency attached by ClinVar (database versions not stated): gnomAD exomes 0.00001; ExAC 0.00010; gnomAD 0.00028; 1000 Genomes Project 30x 0.00031; TOPMed 0.00033; 1000 Genomes Project 0.00040; ESP Exome Variant Server 0.00046.
gnomAD v4.1: 66 of 1,613,874 alleles (0.0041%); highest among the groups gnomAD compares: African/African-American, 0.077%; no homozygotes.

Submissions (2):

Ambry Genetics
Classification: Uncertain significance for Inborn genetic diseases. Last evaluated: 2024-11-08. Review status: criteria provided, single submitter. Criteria: Ambry Variant Classification Scheme 2023. Collection method: clinical testing. Allele origin: germline.

Labcorp Genetics (formerly Invitae), Labcorp
Classification: Uncertain significance for Curry-Hall syndrome; Ellis-van Creveld syndrome. Last evaluated: 2024-01-19. Review status: criteria provided, single submitter. Criteria: Invitae Variant Classification Sherloc (09022015). Collection method: clinical testing. Allele origin: germline.
Comment: This sequence change replaces threonine, which is neutral and polar, with serine, which is neutral and polar, at codon 981 of the EVC2 protein (p.Thr981Ser). This variant is present in population databases (rs199785101, gnomAD 0.1%). This variant has not been reported in the literature in individuals affected with EVC2-related conditions. ClinVar contains an entry for this variant (Variation ID: 2103720). An algorithm developed to predict the effect of missense changes on protein structure and function (PolyPhen-2) suggests that this variant¬†is likely to be tolerated. In summary, the available evidence is currently insufficient to determine the role of this variant in disease. Therefore, it has been classified as a Variant of Uncertain Significance.

NM_147127.5(EVC2):c.2941A>T (p.Thr981Ser)

Gene: EVC2 (EvC ciliary complex subunit 2; minus strand). Cytogenetic location: 4p16.2.
Variant type: single nucleotide variant.
Coding change: c.2941A>T on transcript NM_147127.5 (MANE Select); coding-DNA position 2941, A replaced by T.
Protein change: p.Thr981Ser; replaces threonine 981 with serine.
Molecular consequence: missense variant.
Genome position (GRCh38, 1-based): chr4:5,584,739, T>A on the plus strand (A>T on the coding strand, the complement: EVC2 is on the minus strand). VCF-style: chr4-5584739-T-A. GRCh37 (hg19) VCF-style: chr4-5586466-T-A.
Other names: c.2701A>T, p.Thr901Ser (NM_001166136.2); c.2941A>T (NM_147127.4); short protein forms T981S, T901S.
Identifiers: ClinVar variation 2103720 (VCV002103720.3), dbSNP rs199785101, ClinGen allele CA2834512.